The following is an entry in ClinVar:

ClinVar aggregate classification (germline): Conflicting classifications of pathogenicity. Review status: criteria provided, conflicting classifications (1 of 4 stars). 6 submissions from 6 submitters: Pathogenic (2); Likely pathogenic (2); Uncertain significance (1). 1 of the submissions does not count toward it. Last evaluated 2026-02-13.

Conditions:
Inborn genetic diseases. Identifiers: MedGen C0950123, MeSH D030342.
Intellectual developmental disorder with abnormal behavior, microcephaly, and short stature. Identifiers: MedGen C5193039, MONDO:0032687, OMIM 618342.

Allele frequency attached by ClinVar (database versions not stated): gnomAD exomes below 0.00001.
gnomAD v4.1: 1 of 1,607,656 alleles (0.000062%); highest among the groups gnomAD compares: Non-Finnish European, 0.000085%; no homozygotes.

Submissions (6):

OLLIN Analises Genomicas, OLLIN
Classification: Likely pathogenic for Intellectual developmental disorder with abnormal behavior, microcephaly, and short stature. Last evaluated: 2026-02-13. Review status: criteria provided, single submitter. Criteria: ACMG Guidelines 2015 PMID 25741868. Collection method: clinical testing. Allele origin: germline. Observed: 1 variant allele.
Comment: PVS1, PM2_P

Dasa
Classification: Pathogenic. Last evaluated: 2025-10-14. Review status: criteria provided, single submitter. Criteria: DASA Assertion Criteria. Collection method: clinical testing. Allele origin: germline.
Comment: NM_019042.5(PUS7):c.398+1G>T introduces a premature termination codon predicted to result in loss of normal protein function. Loss-of-function is an established mechanism of disease for this gene. This variant has been observed in affected individuals with related phenotype in a genotype context consistent with recessive disease (PMID: 35144859). This variant has been reported in individuals with related phenotype (PMID: 35144859). The variant is present at low frequency in population datasets. Based on the available data, this variant is classified as pathogenic.

Baylor Genetics
Classification: Pathogenic for Intellectual developmental disorder with abnormal behavior, microcephaly, and short stature. Last evaluated: 2022-03-21. Review status: criteria provided, single submitter. Criteria: ACMG Guidelines, 2015. Collection method: clinical testing. Allele origin: unknown.

Ambry Genetics
Classification: Likely pathogenic for Inborn genetic diseases. Last evaluated: 2019-07-19. Review status: criteria provided, single submitter. Criteria: Ambry exome assertion method (8-5-2015). Collection method: clinical testing. Allele origin: germline. Affected: yes. Observed: 1 variant allele.

Undiagnosed Diseases Network, NIH
Classification: Uncertain significance for Intellectual developmental disorder with abnormal behavior, microcephaly, and short stature. Last evaluated: 2018-09-06. Review status: criteria provided, single submitter. Criteria: ACMG Guidelines, 2015. Collection method: clinical testing. Allele origin: maternal. Inheritance: Autosomal recessive inheritance. Affected: yes. Observed: 1 variant allele, 1 compound heterozygote.

OMIM
Classification: Pathogenic for INTELLECTUAL DEVELOPMENTAL DISORDER WITH ABNORMAL BEHAVIOR, MICROCEPHALY, AND SHORT STATURE. Last evaluated: 2022-04-08. Review status: no assertion criteria provided. Collection method: literature only. Allele origin: germline. Not counted in ClinVar's aggregate classification.

Literature cited by the submitters: PubMed 35144859 (cited by Dasa and OMIM).

NM_019042.5(PUS7):c.398+1G>T

Gene: PUS7 (pseudouridine synthase 7; minus strand). Cytogenetic location: 7q22.3.
Variant type: single nucleotide variant.
Coding change: c.398+1G>T on transcript NM_019042.5 (MANE Select); the canonical splice donor site of the intron after coding-DNA position 398, G replaced by T.
Molecular consequence: splice donor variant.
Genome position (GRCh38, 1-based): chr7:105,508,114, C>A on the plus strand (G>T on the coding strand, the complement: PUS7 is on the minus strand). VCF-style: chr7-105508114-C-A. GRCh37 (hg19) VCF-style: chr7-105148561-C-A.
Other names: IVS2, G-T, +1; c.398+1G>T (NM_001318163.1, NM_001318164.2).
Identifiers: ClinVar variation 804243 (VCV000804243.9), dbSNP rs1264890888, ClinGen allele CA368797895.
Genomic context (GRCh38, chr7:105,508,114, plus strand): 5'-TTTCTTTCTAAAGAAGAAACCTAATACAATCAAAATAACTTTATTCATAAACTAAATGTA[C>A]CTTTCTTTTAAGATTCCCGAGAACCCTTGATGAGAACTCACAAACTTGGTGATGCCTACG-3'